The following is an entry in ClinVar:

ClinVar aggregate classification (germline): Uncertain significance. Review status: criteria provided, multiple submitters, no conflicts (2 of 4 stars). 2 submissions from 2 submitters: Uncertain significance (2). Last evaluated 2024-07-10.

Conditions:
Arrhythmogenic right ventricular dysplasia 5. Also called: Arrhythmogenic Right Ventricular Dysplasia/Cardiomyopathy 5; ARRHYTHMOGENIC RIGHT VENTRICULAR DYSPLASIA, FAMILIAL, 5. Identifiers: MedGen C1858379, MONDO:0011459, OMIM 604400.
Cardiomyopathy (CMYO). Also called: Cardiomyopathies. Identifiers: Orphanet 167848, MedGen C0878544, MONDO:0004994, HP:0001638. Inheritance: Various modes of inheritance.

Submissions (2):

All of Us Research Program, National Institutes of Health
Classification: Uncertain significance for Arrhythmogenic right ventricular dysplasia 5. Last evaluated: 2024-07-10. Review status: criteria provided, single submitter. Criteria: ACMG Guidelines, 2015. Collection method: clinical testing. Allele origin: germline. Inheritance: Autosomal dominant inheritance. Observed: 1 variant allele, 1 heterozygote.
Comment: This variant causes a G to C nucleotide substitution at the -1 position of intron 1 of the TMEM43 gene. Splice prediction tools suggest that this variant may disrupt RNA splicing. To our knowledge, functional studies have not been reported for this variant. This variant has not been reported in individuals affected with cardiovascular disorders in the literature. This variant has not been identified in the general population by the Genome Aggregation Database (gnomAD). Clinical relevance of loss-of-function truncation and splice variants in the TMEM43 gene is not clearly established. The available evidence is insufficient to determine the role of this variant in disease conclusively. Therefore, this variant is classified as a Variant of Uncertain Significance.

This study involves interpretation of variants in research participants for the purpose of population health screening. Participant phenotype was not available at the time of variant classification. Additional details can be found in publication PMID: 35346344, PMCID: PMC8962531

Color Diagnostics, LLC DBA Color Health
Classification: Uncertain significance for Cardiomyopathy. Last evaluated: 2024-02-05. Review status: criteria provided, single submitter. Criteria: ACMG Guidelines, 2015. Collection method: clinical testing. Allele origin: germline.
Comment: This variant causes a G to C nucleotide substitution at the -1 position of intron 1 of the TMEM43 gene. Splice prediction tools suggest that this variant may disrupt RNA splicing. To our knowledge, functional studies have not been reported for this variant. This variant has not been reported in individuals affected with cardiovascular disorders in the literature. This variant has not been identified in the general population by the Genome Aggregation Database (gnomAD). Clinical relevance of loss-of-function truncation and splice variants in the TMEM43 gene is not clearly established. The available evidence is insufficient to determine the role of this variant in disease conclusively. Therefore, this variant is classified as a Variant of Uncertain Significance.

NM_024334.3(TMEM43):c.13-1G>C

Gene: TMEM43 (transmembrane protein 43; plus strand). Cytogenetic location: 3p25.1.
Variant type: single nucleotide variant.
Coding change: c.13-1G>C on transcript NM_024334.3 (MANE Select); the canonical splice acceptor site of the intron before coding-DNA position 13, G replaced by C.
Molecular consequence: splice acceptor variant. On other transcripts: intron variant (1).
Genome position (GRCh38, 1-based): chr3:14,129,411, G>C. VCF-style: chr3-14129411-G-C. GRCh37 (hg19) VCF-style: chr3-14170911-G-C.
Other names: c.13-1G>C (NM_001407274.1, NM_001407276.1, NM_001407275.1 and 3 more transcripts); c.13-1411G>C (NM_001407280.1).
Identifiers: ClinVar variation 1172220 (VCV001172220.5), dbSNP rs2124985459, ClinGen allele CA351534155.